The following is an entry in ClinVar:

NM_004448.4(ERBB2):c.2982G>C (p.Leu994Phe)

Gene: ERBB2 (erb-b2 receptor tyrosine kinase 2; plus strand). Cytogenetic location: 17q12.
Variant type: single nucleotide variant.
Coding change: c.2982G>C on transcript NM_004448.4 (MANE Select); coding-DNA position 2982, G replaced by C.
Protein change: p.Leu994Phe; replaces leucine 994 with phenylalanine.
Molecular consequence: missense variant. On other transcripts: non-coding transcript variant (1), intron variant (1).
Genome position (GRCh38, 1-based): chr17:39,726,826, G>C. VCF-style: chr17-39726826-G-C. GRCh37 (hg19) VCF-style: chr17-37883079-G-C.
Other names: c.2892G>C, p.Leu964Phe (NM_001005862.3, NM_001382782.1, NM_001382783.1); c.2937G>C, p.Leu979Phe (NM_001289936.2); c.2982G>C, p.Leu994Phe (NM_001289937.2, NM_001382796.1); c.3099G>C, p.Leu1033Phe (NM_001382784.1); c.3084G>C, p.Leu1028Phe (NM_001382785.1); c.3063G>C, p.Leu1021Phe (NM_001382786.1); c.3057G>C, p.Leu1019Phe (NM_001382787.1); c.3012G>C, p.Leu1004Phe (NM_001382788.1); and 15 more; short protein forms L1004F, L1019F, L1021F, L942F, L961F, L978F, L993F, L648F.
Identifiers: ClinVar variation 2598839 (VCV002598839.3), dbSNP rs1464157005, ClinGen allele CA399308849.

ClinVar aggregate classification (germline): Uncertain significance. Review status: criteria provided, multiple submitters, no conflicts (2 of 4 stars). 2 submissions from 2 submitters: Uncertain significance (2). Last evaluated 2025-08-27.

Allele frequency attached by ClinVar (database versions not stated): gnomAD 0.00001; TOPMed 0.00001; gnomAD exomes 0.00003.
gnomAD v4.1: 49 of 1,611,976 alleles (0.003%); highest among the groups gnomAD compares: Non-Finnish European, 0.0042%; no homozygotes.

Submissions (2):

Labcorp Genetics (formerly Invitae), Labcorp
Classification: Uncertain significance. Last evaluated: 2025-08-27. Review status: criteria provided, single submitter. Criteria: Invitae Variant Classification Sherloc (09022015). Collection method: clinical testing. Allele origin: germline.
Comment: This sequence change replaces leucine, which is neutral and non-polar, with phenylalanine, which is neutral and non-polar, at codon 994 of the ERBB2 protein (p.Leu994Phe). This variant is present in population databases (no rsID available, gnomAD 0.003%). This variant has not been reported in the literature in individuals affected with ERBB2-related conditions. ClinVar contains an entry for this variant (Variation ID: 2598839). Invitae Evidence Modeling of protein sequence and biophysical properties (such as structural, functional, and spatial information, amino acid conservation, physicochemical variation, residue mobility, and thermodynamic stability) indicates that this missense variant is expected to disrupt ERBB2 protein function with a positive predictive value of 80%. In summary, the available evidence is currently insufficient to determine the role of this variant in disease. Therefore, it has been classified as a Variant of Uncertain Significance.

Ambry Genetics
Classification: Uncertain significance. Last evaluated: 2023-07-12. Review status: criteria provided, single submitter. Criteria: Ambry Variant Classification Scheme 2023. Collection method: clinical testing. Allele origin: germline.